The following is an entry in ClinVar:

ClinVar aggregate classification (germline): Conflicting classifications of pathogenicity. Review status: criteria provided, conflicting classifications (1 of 4 stars). 3 submissions from 3 submitters: Uncertain significance (1); Likely benign (1). 1 of the submissions does not count toward it. Last evaluated 2025-11-16.

Conditions:
COL4A2-related disorder. Also called: COL4A2-related disorders; COL4A2-related condition.

Allele frequency attached by ClinVar (database versions not stated): gnomAD exomes 0.00005 and 0.00014; 1000 Genomes Project 30x 0.00016; ExAC 0.00016; 1000 Genomes Project 0.00020; ESP Exome Variant Server 0.00067; gnomAD 0.00067 and 0.00071; TOPMed 0.00077.
gnomAD v4.1: 178 of 1,583,180 alleles (0.011%); highest among the groups gnomAD compares: African/African-American, 0.22%; 1 homozygote.

Submissions (3):

Labcorp Genetics (formerly Invitae), Labcorp
Classification: Likely benign. Last evaluated: 2025-11-16. Review status: criteria provided, single submitter. Criteria: Invitae Variant Classification Sherloc (09022015). Collection method: clinical testing. Allele origin: germline.

GeneDx
Classification: Uncertain significance. Last evaluated: 2025-05-13. Review status: criteria provided, single submitter. Criteria: GeneDx Variant Classification Process June 2021. Collection method: clinical testing. Allele origin: germline.
Comment: In silico analysis supports that this missense variant has a deleterious effect on protein structure/function; Has not been previously published as pathogenic or benign to our knowledge

PreventionGenetics, part of Exact Sciences
Classification: Likely benign for COL4A2-related condition. Last evaluated: 2019-10-28. Review status: no assertion criteria provided. Collection method: clinical testing. Allele origin: germline. Not counted in ClinVar's aggregate classification.
Comment: This variant is classified as likely benign based on ACMG/AMP sequence variant interpretation guidelines (Richards et al. 2015 PMID: 25741868, with internal and published modifications).

NM_001846.4(COL4A2):c.385A>G (p.Arg129Gly)

Gene: COL4A2 (collagen type IV alpha 2 chain; plus strand). Cytogenetic location: 13q34.
Variant type: single nucleotide variant.
Coding change: c.385A>G on transcript NM_001846.4 (MANE Select); coding-DNA position 385, A replaced by G.
Protein change: p.Arg129Gly; replaces arginine 129 with glycine.
Molecular consequence: missense variant.
Genome position (GRCh38, 1-based): chr13:110,428,491, A>G. VCF-style: chr13-110428491-A-G. GRCh37 (hg19) VCF-style: chr13-111080838-A-G.
Other names: c.385A>G (NM_001846.2); short protein forms R129G.
Identifiers: ClinVar variation 743214 (VCV000743214.12), dbSNP rs376759822, ClinGen allele CA7048875.
Genomic context (GRCh38, chr13:110,428,491, plus strand): 5'-CTGGTTGGCTGATTCTCTCACTGCTCTCTTTCCCAGGGACACCCGGGGCAAGGTGGGCCC[A>G]GGGGAAGGCCGGGCTACGATGGCTGCAACGGAACCCAGGGAGACTCAGGTCCACAGGGGC-3'
Protein context (NP_001837.2, residues 119-139): IPGHPGQGGP[Arg129Gly]GRPGYDGCNG